The following is an entry in ClinVar:

NM_133433.4(NIPBL):c.7418T>C (p.Val2473Ala)

Gene: NIPBL (NIPBL cohesin loading factor; plus strand). Cytogenetic location: 5p13.2.
Variant type: single nucleotide variant.
Coding change: c.7418T>C on transcript NM_133433.4 (MANE Select); coding-DNA position 7418, T replaced by C.
Protein change: p.Val2473Ala; replaces valine 2473 with alanine.
Molecular consequence: missense variant.
Genome position (GRCh38, 1-based): chr5:37,058,898, T>C. VCF-style: chr5-37058898-T-C. GRCh37 (hg19) VCF-style: chr5-37059000-T-C.
Other names: c.7418T>C, p.Val2473Ala (NM_015384.5); short protein forms V2473A.
Identifiers: ClinVar variation 283558 (VCV000283558.16), dbSNP rs185745349, ClinGen allele CA3237200.
Genomic context (GRCh38, chr5:37,058,898, plus strand): 5'-ATTTACTAGTGGCATTTTGTTTTTATTGTTTATCAAACGATTTTTTCTTTCAGTCTATGG[T>C]AAAGGACAAAAGGAAAGAGAGAAAATCATCACCTAGTAAGGAAAATGAGTCAAGCGACAG-3'
Protein context (NP_597677.2, residues 2463-2483): NLLQSFKESM[Val2473Ala]KDKRKERKSS

ClinVar aggregate classification (germline): Conflicting classifications of pathogenicity. Review status: criteria provided, conflicting classifications (1 of 4 stars). 6 submissions from 6 submitters: Uncertain significance (5); Likely benign (1). Last evaluated 2025-07-30.

Conditions:
Cornelia de Lange syndrome 1 (CDLS1). Also called: NIPBL-Related Cornelia de Lange Syndrome; Brachmann de Lange syndrome; TYPUS DEGENERATIVUS AMSTELODAMENSIS. Identifiers: Orphanet 199, MedGen C4551851, MONDO:0007387, OMIM 122470.
Inborn genetic diseases. Identifiers: MedGen C0950123, MeSH D030342.

Allele frequency attached by ClinVar (database versions not stated): gnomAD exomes 0.00001; ExAC 0.00002; gnomAD 0.00006 and 0.00009; TOPMed 0.00019; 1000 Genomes Project 30x 0.00047; 1000 Genomes Project 0.00060.
gnomAD v4.1: 24 of 1,613,878 alleles (0.0015%); highest among the groups gnomAD compares: Admixed American, 0.032%; no homozygotes.

Submissions (6):

Labcorp Genetics (formerly Invitae), Labcorp
Classification: Uncertain significance for Cornelia de Lange syndrome 1. Last evaluated: 2025-07-30. Review status: criteria provided, single submitter. Criteria: Invitae Variant Classification Sherloc (09022015). Collection method: clinical testing. Allele origin: germline.
Comment: This sequence change replaces valine, which is neutral and non-polar, with alanine, which is neutral and non-polar, at codon 2473 of the NIPBL protein (p.Val2473Ala). This variant is present in population databases (rs185745349, gnomAD 0.01%). This variant has not been reported in the literature in individuals affected with NIPBL-related conditions. ClinVar contains an entry for this variant (Variation ID: 283558). Invitae Evidence Modeling of protein sequence and biophysical properties (such as structural, functional, and spatial information, amino acid conservation, physicochemical variation, residue mobility, and thermodynamic stability) has been performed for this missense variant. However, the output from this modeling did not meet the statistical confidence thresholds required to predict the impact of this variant on NIPBL protein function. In summary, the available evidence is currently insufficient to determine the role of this variant in disease. Therefore, it has been classified as a Variant of Uncertain Significance.

Fulgent Genetics
Classification: Uncertain significance for Cornelia de Lange syndrome 1. Last evaluated: 2024-05-01. Review status: criteria provided, single submitter. Criteria: ACMG Guidelines, 2015. Collection method: clinical testing. Allele origin: germline.

Genome-Nilou Lab
Classification: Uncertain significance for Cornelia de Lange syndrome 1. Last evaluated: 2021-07-15. Review status: criteria provided, single submitter. Criteria: ACMG Guidelines, 2015. Collection method: clinical testing. Allele origin: germline. Affected: no.

Ambry Genetics
Classification: Likely benign for Inborn genetic diseases. Last evaluated: 2019-02-15. Review status: criteria provided, single submitter. Criteria: Ambry Variant Classification Scheme 2023. Collection method: clinical testing. Allele origin: germline.

Athena Diagnostics
Classification: Uncertain significance. Last evaluated: 2018-12-31. Review status: criteria provided, single submitter. Criteria: Athena Diagnostics Criteria. Collection method: clinical testing. Allele origin: germline.

Eurofins Ntd Llc (ga)
Classification: Uncertain significance. Last evaluated: 2015-09-25. Review status: criteria provided, single submitter. Criteria: EGL Classification Definitions 2015. Collection method: clinical testing. Allele origin: germline. Observed: 1 variant allele, 1 heterozygote.